The following is an entry in ClinVar:

ClinVar aggregate classification (germline): Likely pathogenic (1 of 4 stars; one submission).

Submission:

Labcorp Genetics (formerly Invitae), Labcorp
Classification: Likely pathogenic. Last evaluated: 2021-01-19. Review status: criteria provided, single submitter. Criteria: Invitae Variant Classification Sherloc (09022015). Collection method: clinical testing. Allele origin: germline.
Comment: This variant is not present in population databases (ExAC no frequency). This sequence change affects an acceptor splice site in intron 46 of the UNC80 gene. It is expected to disrupt RNA splicing. Variants that disrupt the donor or acceptor splice site typically lead to a loss of protein function (PMID: 16199547), and loss-of-function variants in UNC80 are known to be pathogenic (PMID: 26545877, 26708751, 26708753). This variant has not been reported in the literature in individuals with UNC80-related conditions. Algorithms developed to predict the effect of sequence changes on RNA splicing suggest that this variant may disrupt the consensus splice site, but this prediction has not been confirmed by published transcriptional studies. In summary, the currently available evidence indicates that the variant is pathogenic, but additional data are needed to prove that conclusively. Therefore, this variant has been classified as Likely Pathogenic.

Literature cited by the submitters: PubMed 16199547; PubMed 26545877; PubMed 26708751; PubMed 26708753.

NM_001371986.1(UNC80):c.7287-2A>C

Gene: UNC80 (unc-80 subunit of NALCN channel complex; plus strand). Cytogenetic location: 2q34.
Variant type: single nucleotide variant.
Coding change: c.7287-2A>C on transcript NM_001371986.1 (MANE Select); the canonical splice acceptor site of the intron before coding-DNA position 7287, A replaced by C.
Molecular consequence: splice acceptor variant.
Genome position (GRCh38, 1-based): chr2:209,954,098, A>C. VCF-style: chr2-209954098-A-C. GRCh37 (hg19) VCF-style: chr2-210818822-A-C.
Other names: c.7089-2A>C (NM_032504.2); c.7074-2A>C (NM_182587.4).
Identifiers: ClinVar variation 1474911 (VCV001474911.8), dbSNP rs2124994410, ClinGen allele CA350775110.